The following is an entry in ClinVar:

ClinVar aggregate classification (germline): Uncertain significance (1 of 4 stars; one submission).

gnomAD v4.1: 2 of 1,613,930 alleles (0.00012%); highest among the groups gnomAD compares: Non-Finnish European, 0.00017%; no homozygotes.

Submission:

Labcorp Genetics (formerly Invitae), Labcorp
Classification: Uncertain significance. Last evaluated: 2025-02-27. Review status: criteria provided, single submitter. Criteria: Invitae Variant Classification Sherloc (09022015). Collection method: clinical testing. Allele origin: germline.
Comment: This sequence change replaces asparagine, which is neutral and polar, with threonine, which is neutral and polar, at codon 267 of the TNNI3K protein (p.Asn267Thr). This variant is not present in population databases (gnomAD no frequency). This variant has not been reported in the literature in individuals affected with TNNI3K-related conditions. Invitae Evidence Modeling of protein sequence and biophysical properties (such as structural, functional, and spatial information, amino acid conservation, physicochemical variation, residue mobility, and thermodynamic stability) indicates that this missense variant is not expected to disrupt TNNI3K protein function with a negative predictive value of 80%. In summary, the available evidence is currently insufficient to determine the role of this variant in disease. Therefore, it has been classified as a Variant of Uncertain Significance.

NM_015978.3(TNNI3K):c.800A>C (p.Asn267Thr)

Genes: FPGT-TNNI3K (FPGT-TNNI3K readthrough; plus strand), TNNI3K (TNNI3 interacting kinase; plus strand). Cytogenetic location: 1p31.1.
Variant type: single nucleotide variant.
Coding change: c.800A>C on transcript NM_015978.3 (MANE Select); coding-DNA position 800, A replaced by C.
Protein change: p.Asn267Thr; replaces asparagine 267 with threonine.
Molecular consequence: missense variant.
Genome position (GRCh38, 1-based): chr1:74,342,959, A>C. VCF-style: chr1-74342959-A-C. GRCh37 (hg19) VCF-style: chr1-74808643-A-C.
Other names: c.1103A>C, p.Asn368Thr (NM_001112808.3, NM_001199327.2); short protein forms N368T, N267T.
Identifiers: ClinVar variation 4773643 (VCV004773643.1).